The following is an entry in ClinVar:

ClinVar aggregate classification (germline): Conflicting classifications of pathogenicity. Review status: criteria provided, conflicting classifications (1 of 4 stars). 4 submissions from 4 submitters: Uncertain significance (3); Likely benign (1). Last evaluated 2026-09-11.

Conditions:
Cardiomyopathy (CMYO). Also called: Cardiomyopathies. Identifiers: Orphanet 167848, MedGen C0878544, MONDO:0004994, HP:0001638. Inheritance: Various modes of inheritance.
Cardiovascular phenotype. Identifiers: MedGen CN230736.
Lethal congenital glycogen storage disease of heart. Also called: GLYCOGEN STORAGE DISEASE OF HEART; PHOSPHORYLASE KINASE DEFICIENCY OF HEART. Identifiers: Orphanet 439854, MedGen C1849813, MONDO:0009867, OMIM 261740.

Allele frequency attached by ClinVar (database versions not stated): gnomAD exomes 0.00001.

Submissions (4):

Ambry Genetics
Classification: Uncertain significance for Cardiovascular phenotype. Last evaluated: 2026-09-11. Review status: criteria provided, single submitter. Criteria: Ambry Variant Classification Scheme 2023. Collection method: clinical testing. Allele origin: germline.
Comment: The p.N137S variant (also known as c.410A>G), located in coding exon 3 of the PRKAG2 gene, results from an A to G substitution at nucleotide position 410. The asparagine at codon 137 is replaced by serine, an amino acid with highly similar properties. This amino acid position is conserved. In addition, this alteration is predicted to be tolerated by in silico analysis. Based on the available evidence, the clinical significance of this variant remains unclear.

Color Diagnostics, LLC DBA Color Health
Classification: Uncertain significance for Cardiomyopathy. Last evaluated: 2024-03-06. Review status: criteria provided, single submitter. Criteria: ACMG Guidelines, 2015. Collection method: clinical testing. Allele origin: germline.
Comment: This missense variant replaces asparagine with serine at codon 137 of the PRKAG2 protein. Computational prediction suggests that this variant may not impact protein structure and function (internally defined REVEL score threshold <= 0.5, PMID: 27666373). To our knowledge, functional studies have not been reported for this variant. This variant has not been reported in individuals affected with cardiovascular disorders in the literature. This variant has been identified in 2/251288 chromosomes in the general population by the Genome Aggregation Database (gnomAD). The available evidence is insufficient to determine the role of this variant in disease conclusively. Therefore, this variant is classified as a Variant of Uncertain Significance.

Labcorp Genetics (formerly Invitae), Labcorp
Classification: Likely benign for Lethal congenital glycogen storage disease of heart. Last evaluated: 2023-08-23. Review status: criteria provided, single submitter. Criteria: Invitae Variant Classification Sherloc (09022015). Collection method: clinical testing. Allele origin: germline.

GeneDx
Classification: Uncertain significance. Last evaluated: 2019-04-10. Review status: criteria provided, single submitter. Criteria: GeneDx Variant Classification Process June 2021. Collection method: clinical testing. Allele origin: germline. Affected: yes.
Comment: Not observed [at a significant frequency] in large population cohorts (Lek et al., 2016); In silico analysis, which includes protein predictors and evolutionary conservation, supports that this variant does not alter protein structure/function; Has not been previously published as pathogenic or benign to our knowledge

NM_016203.4(PRKAG2):c.410A>G (p.Asn137Ser)

Gene: PRKAG2 (protein kinase AMP-activated non-catalytic subunit gamma 2; minus strand). Cytogenetic location: 7q36.1.
Variant type: single nucleotide variant.
Coding change: c.410A>G on transcript NM_016203.4 (MANE Select); coding-DNA position 410, A replaced by G.
Protein change: p.Asn137Ser; replaces asparagine 137 with serine.
Molecular consequence: missense variant.
Genome position (GRCh38, 1-based): chr7:151,781,208, T>C on the plus strand (A>G on the coding strand, the complement: PRKAG2 is on the minus strand). VCF-style: chr7-151781208-T-C. GRCh37 (hg19) VCF-style: chr7-151478294-T-C.
Other names: c.278A>G, p.Asn93Ser (NM_001040633.2); short protein forms N137S, N93S.
Identifiers: ClinVar variation 546076 (VCV000546076.10), dbSNP rs869025498, ClinGen allele CA370069371.